The following is an entry in ClinVar:

NM_001379200.1(TBX1):c.1123G>C (p.Ala375Pro)

Gene: TBX1 (T-box transcription factor 1; plus strand). Cytogenetic location: 22q11.21.
Variant type: single nucleotide variant.
Coding change: c.1123G>C on transcript NM_001379200.1 (MANE Select); coding-DNA position 1123, G replaced by C.
Protein change: p.Ala375Pro; replaces alanine 375 with proline.
Molecular consequence: missense variant. On other transcripts: intron variant (2).
Genome position (GRCh38, 1-based): chr22:19,766,475, G>C. VCF-style: chr22-19766475-G-C. GRCh37 (hg19) VCF-style: chr22-19753998-G-C.
Other names: c.1096G>C, p.Ala366Pro (NM_080647.1); c.1009+473G>C (NM_005992.1, NM_080646.2); short protein forms A366P, A375P.
Identifiers: ClinVar variation 3453817 (VCV003453817.2).

ClinVar aggregate classification (germline): Uncertain significance. Review status: criteria provided, multiple submitters, no conflicts (2 of 4 stars). 2 submissions from 2 submitters: Uncertain significance (2). Last evaluated 2025-01-27.

Conditions:
Cardiovascular phenotype. Identifiers: MedGen CN230736.

Submissions (2):

GeneDx
Classification: Uncertain significance. Last evaluated: 2025-01-27. Review status: criteria provided, single submitter. Criteria: GeneDx Variant Classification Process June 2021. Collection method: clinical testing. Allele origin: germline. Affected: yes.
Comment: Not observed at significant frequency in large population cohorts (gnomAD); In silico analysis indicates that this missense variant does not alter protein structure/function; Has not been previously published as pathogenic or benign to our knowledge

Ambry Genetics
Classification: Uncertain significance for Cardiovascular phenotype. Last evaluated: 2024-07-30. Review status: criteria provided, single submitter. Criteria: Ambry Variant Classification Scheme 2023. Collection method: clinical testing. Allele origin: germline.